The following is an entry in ClinVar:

NM_001312909.2(FAM111A):c.1564A>G (p.Lys522Glu)

Gene: FAM111A (FAM111 trypsin like peptidase A; plus strand). Cytogenetic location: 11q12.1.
Variant type: single nucleotide variant.
Coding change: c.1564A>G on transcript NM_001312909.2 (MANE Select); coding-DNA position 1564, A replaced by G.
Protein change: p.Lys522Glu; replaces lysine 522 with glutamic acid.
Molecular consequence: missense variant.
Genome position (GRCh38, 1-based): chr11:59,153,232, A>G. VCF-style: chr11-59153232-A-G. GRCh37 (hg19) VCF-style: chr11-58920705-A-G.
Other names: c.1564A>G, p.Lys522Glu (NM_001142519.3, NM_001142520.3, NM_001142521.3 and 29 more transcripts); short protein forms K522E.
Identifiers: ClinVar variation 3630607 (VCV003630607.2).
Genomic context (GRCh38, chr11:59,153,232, plus strand): 5'-CAGTCTAAAAAAGCAGAAAGTCCAGAGTATGTCCATATGTATACTCAAAGAAGTTTCCAG[A>G]AAATAGTTCACAACCCTGATGTGATTACCTATGACACTGAATTTTTCTTTGGGGCTTCCG-3'
Protein context (NP_001299838.1, residues 512-532): VHMYTQRSFQ[Lys522Glu]IVHNPDVITY

ClinVar aggregate classification (germline): Uncertain significance (1 of 4 stars; one submission).

gnomAD v4.1: 7 of 1,614,108 alleles (0.00043%); highest among the groups gnomAD compares: East Asian, 0.011%; no homozygotes.

Submission:

Labcorp Genetics (formerly Invitae), Labcorp
Classification: Uncertain significance. Last evaluated: 2024-05-18. Review status: criteria provided, single submitter. Criteria: Invitae Variant Classification Sherloc (09022015). Collection method: clinical testing. Allele origin: germline.
Comment: This sequence change replaces lysine, which is basic and polar, with glutamic acid, which is acidic and polar, at codon 522 of the FAM111A protein (p.Lys522Glu). This variant is present in population databases (no rsID available, gnomAD 0.02%). This variant has not been reported in the literature in individuals affected with FAM111A-related conditions. Advanced modeling of protein sequence and biophysical properties (such as structural, functional, and spatial information, amino acid conservation, physicochemical variation, residue mobility, and thermodynamic stability) performed at Invitae indicates that this missense variant is not expected to disrupt FAM111A protein function with a negative predictive value of 80%. In summary, the available evidence is currently insufficient to determine the role of this variant in disease. Therefore, it has been classified as a Variant of Uncertain Significance.